The following is an entry in ClinVar:

NM_005202.4(COL8A2):c.*3C>T

Gene: COL8A2 (collagen type VIII alpha 2 chain; minus strand). Cytogenetic location: 1p34.3.
Variant type: single nucleotide variant.
Coding change: c.*3C>T on transcript NM_005202.4 (MANE Select); 3 bases downstream of the stop codon, C replaced by T.
Molecular consequence: 3 prime UTR variant.
Genome position (GRCh38, 1-based): chr1:36,097,566, G>A on the plus strand (C>T on the coding strand, the complement: COL8A2 is on the minus strand). VCF-style: chr1-36097566-G-A. GRCh37 (hg19) VCF-style: chr1-36563167-G-A.
Other names: c.*3C>T (NM_001294347.2).
Identifiers: ClinVar variation 3044090 (VCV003044090.2), dbSNP rs755677174, ClinGen allele CA764800.
Genomic context (GRCh38, chr1:36,097,566, plus strand): 5'-ATTGAAAAGGTCGCTCTACCACTAAAGGGGAGGAGGCCAGGGCAGCAGGACCCCCCCCGC[G>A]GGTTATGTGGGGCAGAGCAAGAATCCTGAAAAGGAGGAGTGGATGTACTCCGTGGAGTAG-3'

ClinVar aggregate classification (germline): Likely benign (0 of 4 stars; one submission).

Conditions:
COL8A2-related disorder. Also called: COL8A2-related condition.

Allele frequency attached by ClinVar (database versions not stated): ExAC 0.00001; TOPMed 0.00001.

Submission:

PreventionGenetics, part of Exact Sciences
Classification: Likely benign for COL8A2-related condition. Last evaluated: 2019-06-07. Review status: no assertion criteria provided. Collection method: clinical testing. Allele origin: germline.
Comment: This variant is classified as likely benign based on ACMG/AMP sequence variant interpretation guidelines (Richards et al. 2015 PMID: 25741868, with internal and published modifications).